The following is an entry in ClinVar:

ClinVar aggregate classification (germline): Benign/Likely benign. Review status: criteria provided, multiple submitters, no conflicts (2 of 4 stars). 5 submissions from 5 submitters: Benign (1); Likely benign (4). Last evaluated 2025-12-09.

Conditions:
Hereditary cancer-predisposing syndrome. Also called: Neoplastic Syndromes, Hereditary; Tumor predisposition; Hereditary Cancer Syndrome; Hereditary neoplastic syndrome. Identifiers: Orphanet 140162, MedGen C0027672, MeSH D009386, MONDO:0015356.
BAP1-related tumor predisposition syndrome (TPDS1). Also called: Tumor susceptibility linked to germline BAP1 mutations; BAP1 tumor predisposition syndrome; COMMON Syndrome; TUMOR PREDISPOSITION SYNDROME 1. Identifiers: Orphanet 289539, MedGen C3280492, MONDO:0013692, OMIM 614327.

Allele frequency attached by ClinVar (database versions not stated): gnomAD exomes 0.00001 and 0.00002; ExAC 0.00002; gnomAD 0.00003 and 0.00004; TOPMed 0.00007; ESP Exome Variant Server 0.00008.
gnomAD v4.1: 11 of 1,614,082 alleles (0.00068%); highest among the groups gnomAD compares: African/African-American, 0.0093%; no homozygotes.

Submissions (5):

Labcorp Genetics (formerly Invitae), Labcorp
Classification: Likely benign for BAP1-related tumor predisposition syndrome. Last evaluated: 2025-12-09. Review status: criteria provided, single submitter. Criteria: Invitae Variant Classification Sherloc (09022015). Collection method: clinical testing. Allele origin: germline.

Myriad Genetics, Inc.
Classification: Benign for BAP1-related tumor predisposition syndrome. Last evaluated: 2024-07-17. Review status: criteria provided, single submitter. Criteria: Myriad Autosomal Dominant, Autosomal Recessive and X-Linked Classification Criteria (2023). Collection method: clinical testing. Allele origin: unknown.
Comment: This variant is considered benign. This variant is a silent/synonymous amino acid change and it is not expected to impact splicing.

Quest Diagnostics Nichols Institute San Juan Capistrano
Classification: Likely benign. Last evaluated: 2023-04-23. Review status: criteria provided, single submitter. Criteria: Quest Diagnostics criteria. Collection method: clinical testing. Allele origin: unknown.

Color Diagnostics, LLC DBA Color Health
Classification: Likely benign for Hereditary cancer-predisposing syndrome. Last evaluated: 2017-10-25. Review status: criteria provided, single submitter. Criteria: ACMG Guidelines, 2015. Collection method: clinical testing. Allele origin: germline.

Ambry Genetics
Classification: Likely benign for Hereditary cancer-predisposing syndrome. Last evaluated: 2016-02-11. Review status: criteria provided, single submitter. Criteria: Ambry Variant Classification Scheme 2023. Collection method: clinical testing. Allele origin: germline.

NM_004656.4(BAP1):c.1797G>A (p.Val599=)

Gene: BAP1 (BRCA1 associated deubiquitinase 1; minus strand). Cytogenetic location: 3p21.1.
Variant type: single nucleotide variant.
Coding change: c.1797G>A on transcript NM_004656.4 (MANE Select); coding-DNA position 1797, G replaced by A.
Protein change: p.Val599=; no amino-acid change (valine 599 retained).
Molecular consequence: synonymous variant.
Genome position (GRCh38, 1-based): chr3:52,403,231, C>T on the plus strand (G>A on the coding strand, the complement: BAP1 is on the minus strand). VCF-style: chr3-52403231-C-T. GRCh37 (hg19) VCF-style: chr3-52437247-C-T.
Other names: c.1797G>A (LRG_529t1).
Identifiers: ClinVar variation 485262 (VCV000485262.19), dbSNP rs372576765, ClinGen allele CA2436714.
Genomic context (GRCh38, chr3:52,403,231, plus strand): 5'-GCCAGGCCTCACCATCCCCGTCTTCTCTCTGCTGTCCGTGGCTTCCACGACCTCCTTCTC[C>T]ACTGGGCTGCTGGACCCCTGGCTGCCTTGGATTGGTCTGATGGAGGGCGAGGAACCCTTC-3'
Protein context (NP_004647.1, residues 589-609): IQGSQGSSSP[Val599=]EKEVVEATDS